The following is an entry in ClinVar:

ClinVar aggregate classification (germline): Uncertain significance. Review status: criteria provided, multiple submitters, no conflicts (2 of 4 stars). 3 submissions from 3 submitters: Uncertain significance (2). 1 of the submissions does not count toward it. Last evaluated 2025-08-15.

Conditions:
KPNA7-related disorder. Also called: KPNA7-related condition.

Allele frequency attached by ClinVar (database versions not stated): TOPMed 0.00003; gnomAD exomes 0.00004; ExAC 0.00005; gnomAD 0.00005 and 0.00006.
gnomAD v4.1: 31 of 1,551,178 alleles (0.002%); highest among the groups gnomAD compares: Admixed American, 0.016%; no homozygotes.

Submissions (3):

Ambry Genetics
Classification: Uncertain significance. Last evaluated: 2025-08-15. Review status: criteria provided, single submitter. Criteria: Ambry Variant Classification Scheme 2023. Collection method: clinical testing. Allele origin: germline.

Labcorp Genetics (formerly Invitae), Labcorp
Classification: Uncertain significance. Last evaluated: 2024-10-24. Review status: criteria provided, single submitter. Criteria: Invitae Variant Classification Sherloc (09022015). Collection method: clinical testing. Allele origin: germline.
Comment: This sequence change replaces arginine, which is basic and polar, with glutamine, which is neutral and polar, at codon 17 of the KPNA7 protein (p.Arg17Gln). This variant is present in population databases (rs746388880, gnomAD 0.03%). This variant has not been reported in the literature in individuals affected with KPNA7-related conditions. ClinVar contains an entry for this variant (Variation ID: 848627). Invitae Evidence Modeling of protein sequence and biophysical properties (such as structural, functional, and spatial information, amino acid conservation, physicochemical variation, residue mobility, and thermodynamic stability) indicates that this missense variant is not expected to disrupt KPNA7 protein function with a negative predictive value of 80%. In summary, the available evidence is currently insufficient to determine the role of this variant in disease. Therefore, it has been classified as a Variant of Uncertain Significance.

PreventionGenetics, part of Exact Sciences
Classification: Uncertain significance for KPNA7-related condition. Last evaluated: 2023-10-18. Review status: no assertion criteria provided. Collection method: clinical testing. Allele origin: germline. Not counted in ClinVar's aggregate classification.
Comment: The KPNA7 c.50G>A variant is predicted to result in the amino acid substitution p.Arg17Gln. To our knowledge, this variant has not been reported in the literature. This variant is reported in 0.025% of alleles in individuals of African descent in gnomAD. At this time, the clinical significance of this variant is uncertain due to the absence of conclusive functional and genetic evidence.

NM_001145715.3(KPNA7):c.50G>A (p.Arg17Gln)

Gene: KPNA7 (karyopherin subunit alpha 7; minus strand). Cytogenetic location: 7q22.1.
Variant type: single nucleotide variant.
Coding change: c.50G>A on transcript NM_001145715.3 (MANE Select); coding-DNA position 50, G replaced by A.
Protein change: p.Arg17Gln; replaces arginine 17 with glutamine.
Molecular consequence: missense variant.
Genome position (GRCh38, 1-based): chr7:99,207,417, C>T on the plus strand (G>A on the coding strand, the complement: KPNA7 is on the minus strand). VCF-style: chr7-99207417-C-T. GRCh37 (hg19) VCF-style: chr7-98805040-C-T.
Other names: c.50G>A (NM_001145715.2); short protein forms R17Q.
Identifiers: ClinVar variation 848627 (VCV000848627.10), dbSNP rs746388880, ClinGen allele CA4363312.